The following is an entry in ClinVar:

ClinVar aggregate classification (germline): Conflicting classifications of pathogenicity. Review status: criteria provided, conflicting classifications (1 of 4 stars). 2 submissions from 2 submitters: Uncertain significance (1); Likely benign (1). Last evaluated 2022-12-12.

Conditions:
SLC35A2-congenital disorder of glycosylation. Also called: SLC35A2-CDG; DEVELOPMENTAL AND EPILEPTIC ENCEPHALOPATHY 22; CONGENITAL DISORDER OF GLYCOSYLATION, TYPE IIm; CDG IIm; EPILEPTIC ENCEPHALOPATHY, EARLY INFANTILE, 22; CONGENITAL DISORDER OF GLYCOSYLATION, TYPE IIm, SOMATIC MOSAIC. Identifiers: Orphanet 356961, MedGen C3806688, MONDO:0010478, OMIM 300896.

Allele frequency attached by ClinVar (database versions not stated): gnomAD exomes 0.00001; TOPMed 0.00002.
gnomAD v4.1: 7 of 1,208,600 alleles (0.00058%); highest among the groups gnomAD compares: Admixed American, 0.0022%; no homozygotes.

Submissions (2):

Labcorp Genetics (formerly Invitae), Labcorp
Classification: Uncertain significance for SLC35A2-congenital disorder of glycosylation. Last evaluated: 2022-12-12. Review status: criteria provided, single submitter. Criteria: Invitae Variant Classification Sherloc (09022015). Collection method: clinical testing. Allele origin: germline.
Comment: This sequence change replaces valine, which is neutral and non-polar, with methionine, which is neutral and non-polar, at codon 231 of the SLC35A2 protein (p.Val231Met). The frequency data for this variant in the population databases is considered unreliable, as metrics indicate poor data quality at this position in the gnomAD database. In summary, the available evidence is currently insufficient to determine the role of this variant in disease. Therefore, it has been classified as a Variant of Uncertain Significance. Advanced modeling of protein sequence and biophysical properties (such as structural, functional, and spatial information, amino acid conservation, physicochemical variation, residue mobility, and thermodynamic stability) has been performed at Invitae for this missense variant, however the output from this modeling did not meet the statistical confidence thresholds required to predict the impact of this variant on SLC35A2 protein function. ClinVar contains an entry for this variant (Variation ID: 679074). This variant has not been reported in the literature in individuals affected with SLC35A2-related conditions.

GeneDx
Classification: Likely benign. Last evaluated: 2019-11-21. Review status: criteria provided, single submitter. Criteria: GeneDx Variant Classification Process June 2021. Collection method: clinical testing. Allele origin: germline. Affected: yes.
Comment: In silico analysis, which includes protein predictors and evolutionary conservation, supports that this variant does not alter protein structure/function; Has not been previously published as pathogenic or benign to our knowledge

NM_005660.3(SLC35A2):c.691G>A (p.Val231Met)

Gene: SLC35A2 (solute carrier family 35 member A2; minus strand). Cytogenetic location: Xp11.23.
Variant type: single nucleotide variant.
Coding change: c.691G>A on transcript NM_005660.3 (MANE Select); coding-DNA position 691, G replaced by A.
Protein change: p.Val231Met; replaces valine 231 with methionine.
Molecular consequence: missense variant. On other transcripts: intron variant (3).
Genome position (GRCh38, 1-based): chrX:48,905,218, C>T on the plus strand (G>A on the coding strand, the complement: SLC35A2 is on the minus strand). VCF-style: chrX-48905218-C-T. GRCh37 (hg19) VCF-style: chrX-48762495-C-T.
Other names: c.691G>A, p.Val231Met (NM_001042498.3); c.508G>A, p.Val170Met (NM_001282649.2); c.730G>A, p.Val244Met (NM_001282650.2); c.775G>A, p.Val259Met (NM_001282651.2); c.427-326G>A (NM_001282647.2, NM_001032289.3); c.355-326G>A (NM_001282648.2); short protein forms V170M, V259M, V244M, V231M.
Identifiers: ClinVar variation 679074 (VCV000679074.8), dbSNP rs939923485, ClinGen allele CA329098894.
Genomic context (GRCh38, chrX:48,905,218, plus strand): 5'-AGAGCCCCACCAGGCCCAGTGCTGTGCCGAAGAGGCCCAGTTGCAGGTTGCGCAGCCACA[C>T]GGAGCCTGAGCTGCCTTTGAGGATCTTCTCAAAGTAGACACCTGCGAAGCCGGAGGAGAG-3'
Protein context (NP_005651.1, residues 221-241): EKILKGSSGS[Val231Met]WLRNLQLGLF